The following is an entry in ClinVar:

ClinVar aggregate classification (germline): Uncertain significance (1 of 4 stars; one submission).

gnomAD v4.1: 2 of 1,612,852 alleles (0.00012%); highest among the groups gnomAD compares: African/African-American, 0.0027%; no homozygotes.

Submission:

GeneDx
Classification: Uncertain significance. Last evaluated: 2025-07-06. Review status: criteria provided, single submitter. Criteria: GeneDx Variant Classification Process June 2021. Collection method: clinical testing. Allele origin: germline. Affected: yes.
Comment: Not observed at significant frequency in large population cohorts (gnomAD); In silico analysis suggests that this missense variant does not alter protein structure/function; Has not been previously published as pathogenic or benign to our knowledge

NM_015404.4(WHRN):c.2246C>G (p.Thr749Arg)

Gene: WHRN (whirlin; minus strand). Cytogenetic location: 9q32.
Variant type: single nucleotide variant.
Coding change: c.2246C>G on transcript NM_015404.4 (MANE Select); coding-DNA position 2246, C replaced by G.
Protein change: p.Thr749Arg; replaces threonine 749 with arginine.
Molecular consequence: missense variant.
Genome position (GRCh38, 1-based): chr9:114,404,068, G>C on the plus strand (C>G on the coding strand, the complement: WHRN is on the minus strand). VCF-style: chr9-114404068-G-C. GRCh37 (hg19) VCF-style: chr9-117166348-G-C.
Other names: c.1097C>G, p.Thr366Arg (NM_001083885.3); c.2243C>G, p.Thr748Arg (NM_001173425.2); c.1193C>G, p.Thr398Arg (NM_001346890.1); short protein forms T366R, T398R, T748R, T749R.
Identifiers: ClinVar variation 4685145 (VCV004685145.1).